The following is an entry in ClinVar:

NM_000038.6(APC):c.729+447A>G

Gene: APC (APC regulator of WNT signaling pathway; plus strand). Cytogenetic location: 5q22.2.
Variant type: single nucleotide variant.
Coding change: c.729+447A>G on transcript NM_000038.6 (MANE Select); 447 bases into the intron after coding-DNA position 729, A replaced by G.
Molecular consequence: intron variant.
Genome position (GRCh38, 1-based): chr5:112,792,976, A>G. VCF-style: chr5-112792976-A-G. GRCh37 (hg19) VCF-style: chr5-112128673-A-G.
Other names: c.729+447A>G (NM_001354895.2, NM_001127510.3, NM_001354896.2 and 1 more transcripts); c.759+447A>G (NM_001354897.2, NM_001354902.2); c.676-8303A>G (NM_001127511.3); c.654+447A>G (NM_001354898.2, NM_001354904.2); c.-307+447A>G (NM_001354906.2); c.646-8303A>G (NM_001354899.2); c.552+447A>G (NM_001354900.2, NM_001354901.2, NM_001354905.2).
Identifiers: ClinVar variation 82481 (VCV000082481.2), dbSNP rs75248404, ClinGen allele CA013231.

ClinVar aggregate classification (germline): other (0 of 4 stars; one submission).

Conditions:
Familial colorectal cancer. Identifiers: MedGen CN280943, MONDO:0023113. Disease mechanism: loss of function.

Allele frequency attached by ClinVar (database versions not stated): 1000 Genomes Project 30x 0.08979; 1000 Genomes Project 0.09265; gnomAD 0.05438 and 0.05530; TOPMed 0.06151.
gnomAD v4.1: 8,388 of 152,214 alleles (5.5%); highest among the groups gnomAD compares: East Asian, 14%; 427 homozygotes.

Submission:

Systems Biology Platform Zhejiang California International NanoSystems Institute
Classification: other for Familial colorectal cancer. Review status: no assertion criteria provided. Collection method: not provided. Allele origin: unknown.
ClinVar note: Converted during submission from cancer to other.